The following is an entry in ClinVar:

NM_001126108.2(SLC12A3):c.2633C>T (p.Ala878Val)

Gene: SLC12A3 (solute carrier family 12 member 3; plus strand). Cytogenetic location: 16q13.
Variant type: single nucleotide variant.
Coding change: c.2633C>T on transcript NM_001126108.2 (MANE Select); coding-DNA position 2633, C replaced by T.
Protein change: p.Ala878Val; replaces alanine 878 with valine.
Molecular consequence: missense variant.
Genome position (GRCh38, 1-based): chr16:56,894,642, C>T. VCF-style: chr16-56894642-C-T. GRCh37 (hg19) VCF-style: chr16-56928554-C-T.
Other names: NC_000016.9:g.56928554C>T; c.2660C>T, p.Ala887Val (NM_000339.3); c.2657C>T, p.Ala886Val (NM_001126107.2); c.2630C>T, p.Ala877Val (NM_001410896.1); c.2660C>T (NM_000339.2); short protein forms A878V, A887V, A877V, A886V.
Identifiers: ClinVar variation 4413117 (VCV004413117.2).

ClinVar aggregate classification (germline): Uncertain significance (1 of 4 stars; one submission).

Conditions:
SLC12A3-related disorder. Also called: SLC12A3-related condition.

gnomAD v4.1: 3 of 1,611,814 alleles (0.00019%); highest among the groups gnomAD compares: East Asian, 0.0022%; no homozygotes.

Submissions (2):

PreventionGenetics, part of Exact Sciences
Classification: Uncertain significance for SLC12A3-related condition. Last evaluated: 2024-10-28. Review status: criteria provided, single submitter. Criteria: ACMG Guidelines, 2015. Collection method: clinical testing. Allele origin: germline.
Comment: The SLC12A3 c.2660C>T variant is predicted to result in the amino acid substitution p.Ala887Val. To our knowledge, this variant has not been reported in the literature. This variant is reported in 0.0054% of alleles in individuals of East Asian descent in gnomAD. This nucleotide change is located at the last base of exon 22 and is predicted to slightly weaken the nearby normal splice donor site signal (SpliceAI, Jaganathan et al. 2019. PubMed ID: 30661751). However, the use of computer prediction programs is not equivalent to functional evidence. At this time, the clinical significance of this variant is uncertain due to the absence of conclusive functional and genetic evidence.

Dr. Peter K. Rogan Lab, Western University
No classification provided (evidence only). Condition: Uterine corpus endometrial carcinoma. Review status: no classification provided. Collection method: in vitro. Allele origin: not applicable. Functional consequence: retained intron. Not counted in ClinVar's aggregate classification.